The following is an entry in ClinVar:

ClinVar aggregate classification (germline): Uncertain significance (1 of 4 stars; one submission).

Conditions:
Autosomal recessive polycystic kidney disease (ARPKD). Also called: AR polycystic kidney disease. Identifiers: Orphanet 731, Orphanet 8378, MedGen C0085548, MeSH D017044, MONDO:0009889.

Submission:

Labcorp Genetics (formerly Invitae), Labcorp
Classification: Uncertain significance for Autosomal recessive polycystic kidney disease. Last evaluated: 2021-09-30. Review status: criteria provided, single submitter. Criteria: Invitae Variant Classification Sherloc (09022015). Collection method: clinical testing. Allele origin: germline.
Comment: This sequence change replaces glycine with arginine at codon 3979 of the PKHD1 protein (p.Gly3979Arg). The glycine residue is weakly conserved and there is a moderate physicochemical difference between glycine and arginine. This variant is not present in population databases (ExAC no frequency). This variant has not been reported in the literature in individuals with PKHD1-related conditions. Advanced modeling of protein sequence and biophysical properties (such as structural, functional, and spatial information, amino acid conservation, physicochemical variation, residue mobility, and thermodynamic stability) performed at Invitae indicates that this missense variant is not expected to disrupt PKHD1 protein function. Algorithms developed to predict the effect of sequence changes on RNA splicing suggest that this variant may create or strengthen a splice site, but this prediction has not been confirmed by published transcriptional studies. In summary, the available evidence is currently insufficient to determine the role of this variant in disease. Therefore, it has been classified as a Variant of Uncertain Significance.

NM_138694.4(PKHD1):c.11935G>A (p.Gly3979Arg)

Gene: PKHD1 (PKHD1 ciliary IPT domain containing fibrocystin/polyductin; minus strand). Cytogenetic location: 6p12.3.
Variant type: single nucleotide variant.
Coding change: c.11935G>A on transcript NM_138694.4 (MANE Select); coding-DNA position 11935, G replaced by A.
Protein change: p.Gly3979Arg; replaces glycine 3979 with arginine.
Molecular consequence: missense variant.
Genome position (GRCh38, 1-based): chr6:51,619,371, C>T on the plus strand (G>A on the coding strand, the complement: PKHD1 is on the minus strand). VCF-style: chr6-51619371-C-T. GRCh37 (hg19) VCF-style: chr6-51484169-C-T.
Other names: short protein forms G3979R.
Identifiers: ClinVar variation 1469743 (VCV001469743.5), dbSNP rs2150240920, ClinGen allele CA364417234.